The following is an entry in ClinVar:

NM_025099.6(CTC1):c.2564A>G (p.Gln855Arg)

Gene: CTC1 (CST telomere replication complex component 1; minus strand). Cytogenetic location: 17p13.1.
Variant type: single nucleotide variant.
Coding change: c.2564A>G on transcript NM_025099.6 (MANE Select); coding-DNA position 2564, A replaced by G.
Protein change: p.Gln855Arg; replaces glutamine 855 with arginine.
Molecular consequence: missense variant. On other transcripts: non-coding transcript variant (1).
Genome position (GRCh38, 1-based): chr17:8,231,381, T>C on the plus strand (A>G on the coding strand, the complement: CTC1 is on the minus strand). VCF-style: chr17-8231381-T-C. GRCh37 (hg19) VCF-style: chr17-8134699-T-C.
Other names: short protein forms Q855R.
Identifiers: ClinVar variation 1039721 (VCV001039721.8), dbSNP rs1226186528, ClinGen allele CA397975889.
Genomic context (GRCh38, chr17:8,231,381, plus strand): 5'-TTTGCATCCAGCACATCTTGGATATCCTGGGAGCTTTCAAGCTCCAGAGTCCAGTTGTCC[T>C]GGACAGTGAGGCAGGATGCACAGCCAGCCAACTCCAGAGGACGCCGAGATATGCAGGATG-3'
Protein context (NP_079375.3, residues 845-865): LAGCASCLTV[Gln855Arg]DNWTLELESS

ClinVar aggregate classification (germline): Uncertain significance (1 of 4 stars; one submission).

Conditions:
Dyskeratosis congenita. Identifiers: Orphanet 1775, MedGen C0265965, MONDO:0015780.

Allele frequency attached by ClinVar (database versions not stated): TOPMed below 0.00001; gnomAD 0.00001.

Submission:

Labcorp Genetics (formerly Invitae), Labcorp
Classification: Uncertain significance for Dyskeratosis congenita. Last evaluated: 2024-04-15. Review status: criteria provided, single submitter. Criteria: Invitae Variant Classification Sherloc (09022015). Collection method: clinical testing. Allele origin: germline.
Comment: This sequence change replaces glutamine, which is neutral and polar, with arginine, which is basic and polar, at codon 855 of the CTC1 protein (p.Gln855Arg). This variant is present in population databases (no rsID available, gnomAD 0.007%). This variant has not been reported in the literature in individuals affected with CTC1-related conditions. ClinVar contains an entry for this variant (Variation ID: 1039721). Advanced modeling of protein sequence and biophysical properties (such as structural, functional, and spatial information, amino acid conservation, physicochemical variation, residue mobility, and thermodynamic stability) performed at Invitae indicates that this missense variant is not expected to disrupt CTC1 protein function with a negative predictive value of 80%. In summary, the available evidence is currently insufficient to determine the role of this variant in disease. Therefore, it has been classified as a Variant of Uncertain Significance.